The following is an entry in ClinVar:

ClinVar aggregate classification (germline): Uncertain significance (1 of 4 stars; one submission).

Conditions:
Kufor-Rakeb syndrome (KRS). Also called: PARKINSON DISEASE 9, AUTOSOMAL RECESSIVE, JUVENILE-ONSET. Identifiers: Orphanet 306674, Orphanet 314632, MedGen C1847640, MONDO:0011706, OMIM 606693.
Autosomal recessive spastic paraplegia type 78. Identifiers: Orphanet 513436, MedGen C5567893, MONDO:0014975, OMIM 617225.

Submission:

Labcorp Genetics (formerly Invitae), Labcorp
Classification: Uncertain significance for Kufor-Rakeb syndrome; Autosomal recessive spastic paraplegia type 78. Last evaluated: 2022-01-01. Review status: criteria provided, single submitter. Criteria: Invitae Variant Classification Sherloc (09022015). Collection method: clinical testing. Allele origin: germline.
Comment: In summary, the available evidence is currently insufficient to determine the role of this variant in disease. Therefore, it has been classified as a Variant of Uncertain Significance. This sequence change falls in intron 15 of the ATP13A2 gene. It does not directly change the encoded amino acid sequence of the ATP13A2 protein. This variant is not present in population databases (gnomAD no frequency). This variant has not been reported in the literature in individuals affected with ATP13A2-related conditions. Algorithms developed to predict the effect of sequence changes on RNA splicing suggest that this variant may create or strengthen a splice site.

NM_022089.4(ATP13A2):c.1542+13dup

Gene: ATP13A2 (ATPase cation transporting 13A2; minus strand). Cytogenetic location: 1p36.13.
Variant type: Duplication.
Coding change: c.1542+13dup on transcript NM_022089.4 (MANE Select); 13 bases into the intron after coding-DNA position 1542, one base duplicated (G; older notation c.1542+13dupG).
Molecular consequence: intron variant.
Genome position (GRCh38, 1-based): chr1:16,995,963, C duplicated on the plus strand (G on the coding strand, the reverse complement: ATP13A2 is on the minus strand); the first of 2 consecutive C bases (chr1:16,995,963-16,995,964); duplicating either gives the same sequence. VCF-style (leftmost placement, unchanged base first): chr1-16995962-A-AC. GRCh37 (hg19) VCF-style: chr1-17322457-A-AC.
Other names: c.1527+13dup (NM_001141974.3, NM_001141973.3).
Identifiers: ClinVar variation 1476489 (VCV001476489.6), dbSNP rs1367928615, ClinGen allele CA2573130503.